The following is an entry in ClinVar:

NM_000070.3(CAPN3):c.1069C>T (p.Arg357Trp)

Gene: CAPN3 (calpain 3; plus strand). Cytogenetic location: 15q15.1.
Variant type: single nucleotide variant.
Coding change: c.1069C>T on transcript NM_000070.3 (MANE Select); coding-DNA position 1069, C replaced by T.
Protein change: p.Arg357Trp; replaces arginine 357 with tryptophan.
Molecular consequence: missense variant.
Genome position (GRCh38, 1-based): chr15:42,394,295, C>T. VCF-style: chr15-42394295-C-T. GRCh37 (hg19) VCF-style: chr15-42686493-C-T.
Other names: c.1069C>T, p.Arg357Trp (NM_024344.2); c.925C>T, p.Arg309Trp (NM_173087.2); short protein forms R357W, R309W.
Identifiers: ClinVar variation 500723 (VCV000500723.13), dbSNP rs774273767, ClinGen allele CA7511241.

ClinVar aggregate classification (germline): Conflicting classifications of pathogenicity. Review status: criteria provided, conflicting classifications (1 of 4 stars). 6 submissions from 6 submitters: Pathogenic (1); Likely pathogenic (2); Uncertain significance (2). 1 of the submissions does not count toward it. Last evaluated 2025-05-13.

Conditions:
CAPN3-related disorder. Also called: CAPN3-related disorders; CAPN3-related condition. Identifiers: MedGen CN239245.
Autosomal recessive limb-girdle muscular dystrophy type 2A (LGMDR1). Also called: Calpainopathy; Muscular dystrophy, limb-girdle, type 2A, Amish; LEYDEN-MOEBIUS MUSCULAR DYSTROPHY; MUSCULAR DYSTROPHY, PELVOFEMORAL; Limb-girdle muscular dystrophy, type 2A. Identifiers: Orphanet 267, MedGen C1869123, MONDO:0009675, OMIM 253600. Disease mechanism: loss of function.
Muscular dystrophy, limb-girdle, autosomal dominant 4. Also called: Calpain-3-related limb-girdle muscular dystrophy D4; MUSCULAR DYSTROPHY, LIMB-GIRDLE, TYPE 1I. Identifiers: Orphanet 565909, MedGen C4748295, MONDO:0029133, OMIM 618129.

Allele frequency attached by ClinVar (database versions not stated): ExAC below 0.00001; gnomAD exomes below 0.00001 and 0.00001; gnomAD 0.00001; TOPMed 0.00001.
gnomAD v4.1: 9 of 1,563,212 alleles (0.00058%); highest among the groups gnomAD compares: Admixed American, 0.0038%; no homozygotes.

Submissions (6):

Labcorp Genetics (formerly Invitae), Labcorp
Classification: Uncertain significance for Autosomal recessive limb-girdle muscular dystrophy type 2A. Last evaluated: 2025-05-13. Review status: criteria provided, single submitter. Criteria: Invitae Variant Classification Sherloc (09022015). Collection method: clinical testing. Allele origin: germline.
Comment: This sequence change replaces arginine, which is basic and polar, with tryptophan, which is neutral and slightly polar, at codon 357 of the CAPN3 protein (p.Arg357Trp). The frequency data for this variant in the population databases is considered unreliable, as metrics indicate poor data quality at this position in the gnomAD database. This missense change has been observed in individual(s) with CAPN3-related conditions (PMID: 16650086, 25135358). ClinVar contains an entry for this variant (Variation ID: 500723). Invitae Evidence Modeling of protein sequence and biophysical properties (such as structural, functional, and spatial information, amino acid conservation, physicochemical variation, residue mobility, and thermodynamic stability) indicates that this missense variant is expected to disrupt CAPN3 protein function with a positive predictive value of 80%. This variant disrupts the p.Arg357 amino acid residue in CAPN3. Other variant(s) that disrupt this residue have been observed in individuals with CAPN3-related conditions (PMID: 15733273), which suggests that this may be a clinically significant amino acid residue. In summary, the available evidence is currently insufficient to determine the role of this variant in disease. Therefore, it has been classified as a Variant of Uncertain Significance.

GeneDx
Classification: Likely pathogenic. Last evaluated: 2024-06-27. Review status: criteria provided, single submitter. Criteria: GeneDx Variant Classification Process June 2021. Collection method: clinical testing. Allele origin: germline. Affected: yes.
Comment: Not observed at significant frequency in large population cohorts (gnomAD); In silico analysis supports that this missense variant has a deleterious effect on protein structure/function; This variant is associated with the following publications: (PMID: 27500519, 16650086, 25135358, 37526466, 36385624, 32557990, 15733273, 20686710)

Baylor Genetics
Classification: Pathogenic for Muscular dystrophy, limb-girdle, autosomal dominant 4. Last evaluated: 2023-11-27. Review status: criteria provided, single submitter. Criteria: ACMG Guidelines, 2015. Collection method: clinical testing. Allele origin: unknown.

Blueprint Genetics
Classification: Likely pathogenic for CAPN3-related disorders. Last evaluated: 2018-07-23. Review status: criteria provided, single submitter. Criteria: ACMG Guidelines, 2015. Collection method: clinical testing. Allele origin: germline. Affected: yes. Observed: 1 variant allele.

Eurofins Ntd Llc (ga)
Classification: Uncertain significance. Last evaluated: 2017-03-07. Review status: criteria provided, single submitter. Criteria: EGL Classification Definitions 2015. Collection method: clinical testing. Allele origin: germline. Observed: 2 variant alleles, 1 heterozygote, 1 homozygote.

Counsyl
Classification: Likely pathogenic for Autosomal recessive limb-girdle muscular dystrophy type 2A. Last evaluated: 2018-04-10. Review status: no assertion criteria provided. Collection method: clinical testing. Allele origin: unknown. Not counted in ClinVar's aggregate classification.

Literature cited by the submitters: PubMed 16650086 (cited by 3 submitters); PubMed 25135358 (cited by Labcorp Genetics (formerly Invitae), Labcorp and Counsyl); PubMed 15733273 (cited by Labcorp Genetics (formerly Invitae), Labcorp); PubMed 27500519 (cited by Counsyl).